The following is an entry in ClinVar:

NM_024120.5(NDUFAF5):c.155A>C (p.Lys52Thr)

Genes: NDUFAF5 (NADH:ubiquinone oxidoreductase complex assembly factor 5; plus strand), LOC130065433 (ATAC-STARR-seq lymphoblastoid active region 17552; plus strand). Cytogenetic location: 20p12.1.
Variant type: single nucleotide variant.
Coding change: c.155A>C on transcript NM_024120.5 (MANE Select); coding-DNA position 155, A replaced by C.
Protein change: p.Lys52Thr; replaces lysine 52 with threonine.
Molecular consequence: missense variant. On other transcripts: 5 prime UTR variant (3), non-coding transcript variant (7).
Genome position (GRCh38, 1-based): chr20:13,785,223, A>C. VCF-style: chr20-13785223-A-C. GRCh37 (hg19) VCF-style: chr20-13765869-A-C.
Other names: c.155A>C, p.Lys52Thr (NM_001039375.3, NM_001352408.2); c.-213A>C (NM_001352403.2); c.-427A>C (NM_001352406.2); c.-541A>C (NM_001352407.2); short protein forms K52T.
Identifiers: ClinVar variation 225006 (VCV000225006.37), dbSNP rs531254130, ClinGen allele CA358060.

ClinVar aggregate classification (germline): Likely pathogenic. Review status: criteria provided, multiple submitters, no conflicts (2 of 4 stars). 7 submissions from 7 submitters: Likely pathogenic (6). 1 of the submissions does not count toward it. Last evaluated 2025-06-23.

Conditions:
Mitochondrial complex I deficiency, nuclear type 16. Also called: Mitochondrial complex 1 deficiency, nuclear type 16. Identifiers: MedGen C4748785, MONDO:0032621, OMIM 618238.
Mitochondrial complex I deficiency. Also called: NADH:Q(1) OXIDOREDUCTASE DEFICIENCY. Identifiers: Orphanet 2609, MedGen C1838979, MeSH C537475, MONDO:0100133.
Inborn genetic diseases. Identifiers: MedGen C0950123, MeSH D030342.

Allele frequency attached by ClinVar (database versions not stated): gnomAD 0.00001 and 0.00002; gnomAD exomes 0.00001 and 0.00004; TOPMed 0.00002; ExAC 0.00004; 1000 Genomes Project 30x 0.00016; 1000 Genomes Project 0.00020.
gnomAD v4.1: 15 of 1,613,768 alleles (0.00093%); highest among the groups gnomAD compares: East Asian, 0.033%; no homozygotes.

Submissions (7):

Natera, Inc.
Classification: Likely pathogenic for Mitochondrial complex I deficiency. Last evaluated: 2025-06-23. Review status: criteria provided, single submitter. Criteria: Natera Variant Classification Schema (03/2026). Collection method: clinical testing. Allele origin: germline.
Comment: The c.155A>C variant in NDUFAF5 is a missense variant predicted to cause substitution of lysine to threonine at amino acid 52. This variant is rare in the general population with a frequency below the threshold expected for the associated phenotype(s). This variant has been observed in one or more individuals affected with the associated recessive disease, as either homozygous or compound heterozygous with a second variant (PMID: 30473481, 37752895). This variant has been identified in one or more affected individuals with a phenotype highly consistent with the associated gene (PMID: 30473481). Computational prediction algorithms indicate this variant is likely to affect gene or protein function. Given the available evidence, this variant is classified as Likely Pathogenic.

Fulgent Genetics
Classification: Likely pathogenic for Mitochondrial complex I deficiency, nuclear type 16. Last evaluated: 2024-05-01. Review status: criteria provided, single submitter. Criteria: ACMG Guidelines, 2015. Collection method: clinical testing. Allele origin: germline.

Baylor Genetics
Classification: Likely pathogenic for Mitochondrial complex I deficiency, nuclear type 16. Last evaluated: 2024-03-20. Review status: criteria provided, single submitter. Criteria: ACMG Guidelines, 2015. Collection method: clinical testing. Allele origin: unknown.

Ambry Genetics
Classification: Likely pathogenic for Inborn genetic diseases. Last evaluated: 2013-09-12. Review status: criteria provided, single submitter. Criteria: Ambry Autosomal Dominant and X-Linked criteria (10/2015). Collection method: clinical testing. Allele origin: germline. Observed: 1 variant allele.

Juno Genomics, Hangzhou Juno Genomics, Inc
Classification: Likely pathogenic for Mitochondrial complex I deficiency, nuclear type 16. Review status: criteria provided, single submitter. Criteria: ACMG Guidelines, 2015. Collection method: clinical testing. Allele origin: germline. Affected: yes.
Comment: Absent from controls (or at extremely low frequency if recessive) in Genome Aggregation Database, Exome Sequencing Project, 1000 Genomes Project, or Exome Aggregation Consortium.;For recessive disorders, detected in trans with a pathogenic variant.;Patient's phenotype or family history is highly specific for a disease with a single genetic etiology.

Pediatric Department, Xiangya Hospital, Central South University
Classification: Likely pathogenic for Mitochondrial complex I deficiency, nuclear type 16. Review status: criteria provided, single submitter. Criteria: ACMG Guidelines, 2015. Collection method: clinical testing. Allele origin: maternal. Affected: yes.
Comment: This variant was observed in compound heterozygosity with variant (c.752T>G)

OMIM
Classification: Pathogenic for MITOCHONDRIAL COMPLEX I DEFICIENCY, NUCLEAR TYPE 16. Last evaluated: 2021-06-07. Review status: no assertion criteria provided. Collection method: literature only. Allele origin: germline. Not counted in ClinVar's aggregate classification.

Literature cited by the submitters: PubMed 30473481 (cited by Natera, Inc. and OMIM); PubMed 37752895 (cited by Natera, Inc.).